The following is an entry in ClinVar:

ClinVar aggregate classification (germline): Uncertain significance (1 of 4 stars; one submission).

gnomAD v4.1: 9 of 1,589,968 alleles (0.00057%); highest among the groups gnomAD compares: African/African-American, 0.011%; no homozygotes.

Submission:

Labcorp Genetics (formerly Invitae), Labcorp
Classification: Uncertain significance. Last evaluated: 2026-01-13. Review status: criteria provided, single submitter. Criteria: Invitae Variant Classification Sherloc (09022015). Collection method: clinical testing. Allele origin: germline.
Comment: This sequence change replaces proline, which is neutral and non-polar, with leucine, which is neutral and non-polar, at codon 1990 of the OTOGL protein (p.Pro1990Leu). The frequency data for this variant in the population databases is considered unreliable, as metrics indicate poor data quality at this position in the gnomAD database. This variant has not been reported in the literature in individuals affected with OTOGL-related conditions. An algorithm developed to predict the effect of missense changes on protein structure and function (PolyPhen-2) suggests that this variant is likely to be tolerated. In summary, the available evidence is currently insufficient to determine the role of this variant in disease. Therefore, it has been classified as a Variant of Uncertain Significance.

NM_001378609.3(OTOGL):c.5996C>T (p.Pro1999Leu)

Gene: OTOGL (otogelin like; plus strand). Cytogenetic location: 12q21.31.
Variant type: single nucleotide variant.
Coding change: c.5996C>T on transcript NM_001378609.3 (MANE Select); coding-DNA position 5996, C replaced by T.
Protein change: p.Pro1999Leu; replaces proline 1999 with leucine.
Molecular consequence: missense variant.
Genome position (GRCh38, 1-based): chr12:80,356,891, C>T. VCF-style: chr12-80356891-C-T. GRCh37 (hg19) VCF-style: chr12-80750671-C-T.
Other names: c.5861C>T, p.Pro1954Leu (NM_001368062.3); c.5996C>T, p.Pro1999Leu (NM_001378610.3, NM_173591.7); short protein forms P1954L, P1999L.
Identifiers: ClinVar variation 4698860 (VCV004698860.1).
Genomic context (GRCh38, chr12:80,356,891, plus strand): 5'-GTATTTCAACACCAGAATGCAGAGAAGATCAATTCATGATTCAAGTTCGACAGGAAGAAC[C>T]TTGTTGTTTTTCCCCTTTTTGTGGTGAGTATTGTAGAGATAATTTCTTGGAAGAAGAGAA-3'
Protein context (NP_001365538.2, residues 1989-2009): QFMIQVRQEE[Pro1999Leu]CCFSPFCVCE